The following is an entry in ClinVar:

NM_004972.4(JAK2):c.3162T>A (p.Ser1054Arg)

Genes: INSL6 (insulin like 6; minus strand), JAK2 (Janus kinase 2; plus strand). Cytogenetic location: 9p24.1.
Variant type: single nucleotide variant.
Coding change: c.3162T>A on transcript NM_004972.4 (MANE Select); coding-DNA position 3162, T replaced by A.
Protein change: p.Ser1054Arg; replaces serine 1054 with arginine.
Molecular consequence: missense variant. On other transcripts: non-coding transcript variant (2).
Genome position (GRCh38, 1-based): chr9:5,123,106, T>A. VCF-style: chr9-5123106-T-A. GRCh37 (hg19) VCF-style: chr9-5123106-T-A.
Other names: c.3162T>A, p.Ser1054Arg (NM_001322194.2, NM_001322195.2, NM_001322196.2); c.1947T>A, p.Ser649Arg (NM_001322198.2, NM_001322199.2); c.2715T>A, p.Ser905Arg (NM_001322204.2); short protein forms S1054R, S649R, S905R.
Identifiers: ClinVar variation 1338154 (VCV001338154.4), dbSNP rs1823738719, ClinGen allele CA372830179.

ClinVar aggregate classification (germline): Uncertain significance (1 of 4 stars; one submission).

gnomAD v4.1: 7 of 1,599,572 alleles (0.00044%); highest among the groups gnomAD compares: Non-Finnish European, 0.0006%; no homozygotes.

Submission:

Genetic Services Laboratory, University of Chicago
Classification: Uncertain significance. Last evaluated: 2021-11-22. Review status: criteria provided, single submitter. Criteria: ACMG Guidelines, 2015. Collection method: clinical testing. Allele origin: germline. Affected: no.
Comment: DNA sequence analysis of the JAK2 gene demonstrated a sequence change, c.3162T>A, in exon 23 that results in an amino acid change, p.Ser1054Arg. This sequence change does not appear to have been previously described in individuals with JAK2-related disorders and has also not been described in population databases such as ExAC and gnomAD. The p.Ser1054Arg change affects a /moderately conserved amino acid residue located in a domain of the JAK2 protein that is known to be functional. In-silico pathogenicity prediction tools (SIFT, PolyPhen2, Align GVGD, REVEL) provide contradictory results for the p.Ser1054Arg substitution. Due to insufficient evidences and the lack of functional studies, the clinical significance of the p.Ser1054Arg change remains unknown at this time.